The following is an entry in ClinVar:

ClinVar aggregate classification (germline): Uncertain significance (1 of 4 stars; one submission).

Allele frequency attached by ClinVar (database versions not stated): gnomAD exomes below 0.00001; TOPMed below 0.00001; ExAC 0.00001; gnomAD 0.00001.

Submission:

GeneDx
Classification: Uncertain significance. Last evaluated: 2017-06-09. Review status: criteria provided, single submitter. Criteria: GeneDx Variant Classification (06012015). Collection method: clinical testing. Allele origin: germline. Affected: yes.
Comment: The Q317R variant in the SHANK3 gene has not been reported previously as a pathogenic variant, nor as a benign variant, to our knowledge. The Q317R variant is not observed in large population cohorts (Lek et al., 2016; 1000 Genomes Consortium et al., 2015; Exome Variant Server). The Q317R variant is a semi-conservative amino acid substitution, which may impact secondary protein structure as these residues differ in some properties. This substitution occurs at a position that is conserved across species. In silico analysis is inconsistent in its predictions as to whether or not the variant is damaging to the protein structure/function. We interpret Q317R as a variant of uncertain significance.

NM_001372044.2(SHANK3):c.1175A>G (p.Gln392Arg)

Gene: SHANK3 (SH3 and multiple ankyrin repeat domains 3; plus strand). Cytogenetic location: 22q13.33.
Variant type: single nucleotide variant.
Coding change: c.1175A>G on transcript NM_001372044.2 (MANE Select); coding-DNA position 1175, A replaced by G.
Protein change: p.Gln392Arg; replaces glutamine 392 with arginine.
Molecular consequence: missense variant.
Genome position (GRCh38, 1-based): chr22:50,683,404, A>G. VCF-style: chr22-50683404-A-G. GRCh37 (hg19) VCF-style: chr22-51121832-A-G.
Other names: c.950A>G, p.Gln317Arg (NM_033517.1); short protein forms Q317R, Q392R.
Identifiers: ClinVar variation 432662 (VCV000432662.2), dbSNP rs765089490, ClinGen allele CA10325404.